The following is an entry in ClinVar:

NM_019616.4(F7):c.1043G>T (p.Cys348Phe)

Gene: F7 (coagulation factor VII; plus strand). Cytogenetic location: 13q34.
Variant type: single nucleotide variant.
Coding change: c.1043G>T on transcript NM_019616.4 (MANE Select); coding-DNA position 1043, G replaced by T.
Protein change: p.Cys348Phe; replaces cysteine 348 with phenylalanine.
Molecular consequence: missense variant. On other transcripts: non-coding transcript variant (1).
Genome position (GRCh38, 1-based): chr13:113,118,716, G>T. VCF-style: chr13-113118716-G-T. GRCh37 (hg19) VCF-style: chr13-113773030-G-T.
Other names: F7, CYS310PHE; C310F; c.1109G>T, p.Cys370Phe (NM_000131.5); c.857G>T, p.Cys286Phe (NM_001267554.2); short protein forms C348F, C370F, C286F.
Identifiers: ClinVar variation 265135 (VCV000265135.25), dbSNP rs121964927, ClinGen allele CA7060222.
Genomic context (GRCh38, chr13:113,118,716, plus strand): 5'-GTGGCGCCACGGCCCTGGAGCTCATGGTCCTCAACGTGCCCCGGCTGATGACCCAGGACT[G>T]CCTGCAGCAGTCACGGAAGGTGGGAGACTCCCCAAATATCACGGAGTACATGTTCTGTGC-3'
Protein context (NP_062562.1, residues 338-358): LNVPRLMTQD[Cys348Phe]LQQSRKVGDS

ClinVar aggregate classification (germline): Pathogenic/Likely pathogenic. Review status: criteria provided, multiple submitters, no conflicts (2 of 4 stars). 11 submissions from 11 submitters: Pathogenic (5); Likely pathogenic (5). 1 of the submissions does not count toward it. Last evaluated 2024-05-20.

Conditions:
Congenital factor VII deficiency. Identifiers: Orphanet 327, MedGen C0272320, MONDO:0009211, OMIM 227500.
Myocardial infarction, susceptibility to. Identifiers: MedGen C1832662, MONDO:0012039, OMIM 608446.
F7-related disorders.
Factor VII deficiency. Also called: F7 DEFICIENCY; HYPOPROCONVERTINEMIA; Factor 7 deficiency. Identifiers: MedGen C0015503, MeSH D005168, MONDO:0002244.

Allele frequency attached by ClinVar (database versions not stated): gnomAD 0.00001; TOPMed 0.00001; ExAC 0.00004.
gnomAD v4.1: 59 of 1,613,040 alleles (0.0037%); highest among the groups gnomAD compares: South Asian, 0.037%; no homozygotes.

Submissions (11):

Mayo Clinic Laboratories, Mayo Clinic
Classification: Pathogenic. Last evaluated: 2024-05-20. Review status: criteria provided, single submitter. Criteria: ACMG Guidelines, 2015. Collection method: clinical testing. Allele origin: germline.

Fulgent Genetics
Classification: Pathogenic for Congenital factor VII deficiency; Myocardial infarction, susceptibility to. Last evaluated: 2024-04-03. Review status: criteria provided, single submitter. Criteria: ACMG Guidelines, 2015. Collection method: clinical testing. Allele origin: germline.

Genomic Medicine Center of Excellence, King Faisal Specialist Hospital and Research Centre
Classification: Pathogenic for Congenital factor VII deficiency. Last evaluated: 2024-03-29. Review status: criteria provided, single submitter. Criteria: ACMG Guidelines, 2015. Collection method: clinical testing. Allele origin: germline.

Blueprint Genetics
Classification: Pathogenic for F7-related disorders. Last evaluated: 2023-08-02. Review status: criteria provided, single submitter. Criteria: ACMG Guidelines, 2015. Collection method: clinical testing. Allele origin: germline. Affected: yes. Observed: 3 variant alleles.

GeneDx
Classification: Pathogenic. Last evaluated: 2022-11-22. Review status: criteria provided, single submitter. Criteria: GeneDx Variant Classification Process June 2021. Collection method: clinical testing. Allele origin: germline. Affected: yes.
Comment: Published functional studies demonstrate reduced activity of secreted FVII, decreased binding to tissue factor, and reduced activation by FXa compared to wild-type (Fromovich-Amit, et al., 2004); In silico analysis supports that this missense variant has a deleterious effect on protein structure/function; This variant is associated with the following publications: (PMID: 34598035, 34426522, 28447100, 31064749, 1634227, 31589614, 10959697, 11313743, 8043443, 18976247, 11129332, 8883260, 15456489)

Genetics and Molecular Pathology, SA Pathology
Classification: Likely pathogenic for Congenital factor VII deficiency. Last evaluated: 2022-10-07. Review status: criteria provided, single submitter. Criteria: ACMG Guidelines, 2015. Collection method: clinical testing. Allele origin: germline. Affected: yes.
Comment: The F7 c.1043G>T variant is classified as LIKELY PATHOGENIC (PM2, PP3-mod, PM1, PM3, PP4). The F7 c.1043G>T variant is a single nucleotide substitution in exon 8/8 of the F7 gene, which is predicted to change the cysteine at position 348 in the protein the phenylalanine. This variant is in dbSNP (rs121964927) and is present in population databases at very low frequency (gnomAD 0.0013%, AR) (PM2). Computational predictions support a deleterious effect on the gene or gene product (PP3-Moderate). This variant is located in a critical well-established functional domain (PM1). This variant was detected in trans with a likely pathogenic variant (PM3). The patient’s phenotype is highly specific for a disease with a single genetic aetiology (biochemical functional assay show low FVII activity) (PP4).

Laboratorio de Genetica e Diagnostico Molecular, Hospital Israelita Albert Einstein
Classification: Likely pathogenic. Last evaluated: 2020-11-13. Review status: criteria provided, single submitter. Criteria: ACMG Guidelines, 2015. Collection method: clinical testing. Allele origin: germline. Affected: yes.
Comment: ACMG classification criteria: PS4, PM2, PM3, PP3

NIHR Bioresource Rare Diseases, University of Cambridge
Classification: Likely pathogenic for Congenital factor VII deficiency. Last evaluated: 2019-02-01. Review status: criteria provided, single submitter. Criteria: ACMG Guidelines, 2015. Collection method: research. Allele origin: unknown. Affected: yes. Observed: 3 heterozygotes. Study: ThromboGenomics.

Genomic Research Center, Shahid Beheshti University of Medical Sciences
Classification: Likely pathogenic for Factor VII deficiency. Last evaluated: 2018-08-07. Review status: criteria provided, single submitter. Criteria: ACMG Guidelines, 2015. Collection method: clinical testing. Allele origin: inherited. Affected: no. Observed: 1 variant allele.

ISTH-SSC Genomics in Thrombosis and Hemostasis, KU Leuven, Center for Molecular and Vascular Biology
Classification: Likely pathogenic for Congenital factor VII deficiency. Review status: criteria provided, single submitter. Criteria: ACMG Guidelines, 2015. Collection method: clinical testing. Allele origin: germline. Affected: yes. Observed: 1 heterozygote.
Comment: Submitted to the GoldVariant database by Kathleen Freson, Center for Molecular and Vascular Biology

OMIM
Classification: Pathogenic for FACTOR VII DEFICIENCY. Last evaluated: 1992-07-01. Review status: no assertion criteria provided. Collection method: literature only. Allele origin: germline. Not counted in ClinVar's aggregate classification.

Literature cited by the submitters: PubMed 15456489 (cited by Mayo Clinic Laboratories, Mayo Clinic); PubMed 23731332 (cited by Mayo Clinic Laboratories, Mayo Clinic); PubMed 25275492 (cited by Mayo Clinic Laboratories, Mayo Clinic); PubMed 31589614 (cited by Mayo Clinic Laboratories, Mayo Clinic); PubMed 32333443 (cited by Mayo Clinic Laboratories, Mayo Clinic); PubMed 36571800 (cited by Mayo Clinic Laboratories, Mayo Clinic); PubMed 36760778 (cited by Mayo Clinic Laboratories, Mayo Clinic); PubMed 37091489 (cited by Mayo Clinic Laboratories, Mayo Clinic); PubMed 37761907 (cited by Mayo Clinic Laboratories, Mayo Clinic); PubMed 31064749 (cited by NIHR Bioresource Rare Diseases, University of Cambridge); PubMed 1634227 (cited by OMIM).